The following is an entry in ClinVar:

ClinVar aggregate classification (germline): Pathogenic/Likely pathogenic. Review status: criteria provided, multiple submitters, no conflicts (2 of 4 stars). 3 submissions from 3 submitters: Pathogenic (1); Likely pathogenic (1). 1 of the submissions does not count toward it. Last evaluated 2025-01-07.

Conditions:
Hereditary spastic paraplegia 3A (SPG3A). Also called: SPASTIC PARAPLEGIA 3, AUTOSOMAL DOMINANT; FAMILIAL SPASTIC PARAPLEGIA, AUTOSOMAL DOMINANT, 1; SPG3; STRUMPELL DISEASE; Spastic Paraplegia 3A; Spastic paraplegia 3A, autosomal dominant. Identifiers: Orphanet 100984, MedGen C2931355, MONDO:0008437, OMIM 182600.

Submissions (3):

Athena Diagnostics
Classification: Pathogenic. Last evaluated: 2025-01-07. Review status: criteria provided, single submitter. Criteria: Athena Diagnostics Criteria. Collection method: clinical testing. Allele origin: unknown.
Comment: This variant has not been reported in large, multi-ethnic general populations. This variant has been identified in at least one individual with clinical features associated with autosomal dominant spastic paraplegia. Assessment of experimental evidence suggests this variant results in abnormal protein function. (PMID: 28240257)

Juno Genomics, Hangzhou Juno Genomics, Inc
Classification: Likely pathogenic for Hereditary spastic paraplegia 3A. Review status: criteria provided, single submitter. Criteria: ACMG Guidelines, 2015. Collection method: clinical testing. Allele origin: germline.
Comment: Absent from controls (or at extremely low frequency if recessive) in Genome Aggregation Database.;Missense variant in a gene that has a low rate of benign missense variation.;Multiple lines of computational evidence support a deleterious effect on the gene or gene product.;Located in a mutational hot spot and/or critical and well-established functional domain without benign variation.;Assumed de novo, but without confirmation of paternity and maternity.;The prevalence of the variant in affected individuals is significantly increased compared to the prevalence in controls.;Patient's phenotype or family history is highly specific for a disease with a single genetic etiology.

Inherited Neuropathy Consortium Ii, University Of Miami
Classification: Uncertain significance for Hereditary spastic paraplegia 3A. Last evaluated: 2016-01-06. Review status: no assertion criteria provided. Collection method: literature only. Allele origin: germline. Affected: yes. Not counted in ClinVar's aggregate classification.

Literature cited by the submitters: PubMed 28240257 (cited by Athena Diagnostics); PubMed 22552817 (cited by Athena Diagnostics); PubMed 24908668 (cited by Athena Diagnostics); PubMed 33287888 (cited by Athena Diagnostics); PubMed 8981948 (cited by Inherited Neuropathy Consortium Ii, University Of Miami).

NM_015915.5(ATL1):c.1024C>T (p.Pro342Ser)

Gene: ATL1 (atlastin GTPase 1; plus strand). Cytogenetic location: 14q22.1.
Variant type: single nucleotide variant.
Coding change: c.1024C>T on transcript NM_015915.5 (MANE Select); coding-DNA position 1024, C replaced by T.
Protein change: p.Pro342Ser; replaces proline 342 with serine.
Molecular consequence: missense variant.
Genome position (GRCh38, 1-based): chr14:50,621,876, C>T. VCF-style: chr14-50621876-C-T. GRCh37 (hg19) VCF-style: chr14-51088594-C-T.
Other names: c.1024C>T, p.Pro342Ser (NM_001127713.1, NM_181598.4); short protein forms P342S.
Identifiers: ClinVar variation 2571508 (VCV002571508.4), dbSNP rs1555365509, ClinGen allele CA389673594.